The following is an entry in ClinVar:

ClinVar aggregate classification (germline): Uncertain significance (1 of 4 stars; one submission).

Conditions:
Catecholaminergic polymorphic ventricular tachycardia (CVPT). Also called: Catecholamine-induced polymorphic ventricular tachycardia. Identifiers: Orphanet 3286, MedGen C5574922, MONDO:0017990.

Submission:

All of Us Research Program, National Institutes of Health
Classification: Uncertain significance for Catecholaminergic polymorphic ventricular tachycardia. Last evaluated: 2023-05-31. Review status: criteria provided, single submitter. Criteria: ACMG Guidelines, 2015. Collection method: clinical testing. Allele origin: germline. Inheritance: Autosomal dominant inheritance. Observed: 1 variant allele, 1 heterozygote.
Comment: This study involves interpretation of variants in research participants for the purpose of population health screening. Participant phenotype was not available at the time of variant classification. Additional details can be found in publication PMID: 35346344, PMCID: PMC8962531

NM_001035.3(RYR2):c.7676G>C (p.Cys2559Ser)

Gene: RYR2 (ryanodine receptor 2; plus strand). Cytogenetic location: 1q43.
Variant type: single nucleotide variant.
Coding change: c.7676G>C on transcript NM_001035.3 (MANE Select); coding-DNA position 7676, G replaced by C.
Protein change: p.Cys2559Ser; replaces cysteine 2559 with serine.
Molecular consequence: missense variant.
Genome position (GRCh38, 1-based): chr1:237,650,040, G>C. VCF-style: chr1-237650040-G-C. GRCh37 (hg19) VCF-style: chr1-237813340-G-C.
Other names: short protein forms C2559S.
Identifiers: ClinVar variation 3071440 (VCV003071440.1), dbSNP rs2547037759, ClinGen allele CA345399324.
Genomic context (GRCh38, chr1:237,650,040, plus strand): 5'-AGCACCACGCTTCTCTCATTGACTCATTACTTCATACTGTGTATAGACTTTCTAAGGGCT[G>C]TTCACTTACCAAAGCTCAGCGGGATTCCATAGAAGTTTGTTTACTCTCTATTTGTGGGTG-3'
Protein context (NP_001026.2, residues 2549-2569): LHTVYRLSKG[Cys2559Ser]SLTKAQRDSI